The following is an entry in ClinVar:

NM_025207.5(FLAD1):c.503A>G (p.Asn168Ser)

Gene: FLAD1 (flavin adenine dinucleotide synthetase 1; plus strand). Cytogenetic location: 1q21.3.
Variant type: single nucleotide variant.
Coding change: c.503A>G on transcript NM_025207.5 (MANE Select); coding-DNA position 503, A replaced by G.
Protein change: p.Asn168Ser; replaces asparagine 168 with serine.
Molecular consequence: missense variant.
Genome position (GRCh38, 1-based): chr1:154,988,235, A>G. VCF-style: chr1-154988235-A-G. GRCh37 (hg19) VCF-style: chr1-154960711-A-G.
Other names: p.Asn168Ser; c.212A>G, p.Asn71Ser (NM_001184891.2, NM_201398.3); c.206A>G, p.Asn69Ser (NM_001184892.2); short protein forms N168S, N69S, N71S.
Identifiers: ClinVar variation 1700767 (VCV001700767.11), dbSNP rs150372864, ClinGen allele CA1134341.
Genomic context (GRCh38, chr1:154,988,235, plus strand): 5'-GAGTCTCAGTTGTACCTGATGAGGTAGCCACCATTGCAGCTGAGGTCACTTCTTTCTCCA[A>G]CCGCTTCACCCATGTCCTCACAGCAGGGGGCATCGGCCCCACTCATGATGATGTGACCTT-3'
Protein context (NP_079483.3, residues 158-178): TIAAEVTSFS[Asn168Ser]RFTHVLTAGG

ClinVar aggregate classification (germline): Conflicting classifications of pathogenicity. Review status: criteria provided, conflicting classifications (1 of 4 stars). 4 submissions from 4 submitters: Uncertain significance (1); Likely benign (3). Last evaluated 2025-12-29.

Submissions (6):

Labcorp Genetics (formerly Invitae), Labcorp
Classification: Likely benign. Last evaluated: 2025-12-29. Review status: criteria provided, single submitter. Criteria: Invitae Variant Classification Sherloc (09022015). Collection method: clinical testing. Allele origin: germline.

Mayo Clinic Laboratories, Mayo Clinic
Classification: Likely benign. Last evaluated: 2025-10-22. Review status: criteria provided, single submitter. Criteria: ACMG Guidelines, 2015. Collection method: clinical testing. Allele origin: germline. Observed: 1 variant allele.
Comment: BS1, BP4_moderate

Blueprint Genetics
Classification: Likely benign. Last evaluated: 2024-11-21. Review status: criteria provided, single submitter. Criteria: ACMG Guidelines, 2015. Collection method: clinical testing. Allele origin: germline.

GeneDx
Classification: Uncertain significance. Last evaluated: 2023-09-18. Review status: criteria provided, single submitter. Criteria: GeneDx Variant Classification Process June 2021. Collection method: clinical testing. Allele origin: germline. Affected: yes.
Comment: In silico analysis supports that this missense variant does not alter protein structure/function; Has not been previously published as pathogenic or benign to our knowledge; This variant is associated with the following publications: (PMID: 34718578)

Dr. Peter K. Rogan Lab, Western University
No classification provided (evidence only). Condition: Cholangiocarcinoma. Review status: no classification provided. Collection method: in vitro. Allele origin: not applicable. Functional consequence: retained intron. Not counted in ClinVar's aggregate classification.

Dr. Peter K. Rogan Lab, Western University
No classification provided (evidence only). Condition: Ovarian serous cystadenocarcinoma. Review status: no classification provided. Collection method: in vitro. Allele origin: not applicable. Functional consequence: retained intron. Not counted in ClinVar's aggregate classification.